The following is an entry in ClinVar:

NM_213599.3(ANO5):c.1627dup (p.Met543fs)

Gene: ANO5 (anoctamin 5; plus strand). Cytogenetic location: 11p14.3.
Variant type: Duplication.
Coding change: c.1627dup on transcript NM_213599.3 (MANE Select); coding-DNA position 1627, one base duplicated (A; older notation c.1627dupA).
Protein change: p.Met543fs; shifts the reading frame from methionine 543.
Molecular consequence: frameshift variant.
Genome position (GRCh38, 1-based): chr11:22,259,738, A duplicated; the last of 5 consecutive A bases (chr11:22,259,734-22,259,738); duplicating any one gives the same sequence. VCF-style (leftmost placement, unchanged base first): chr11-22259733-C-CA. GRCh37 (hg19) VCF-style: chr11-22281279-C-CA.
Other names: NM_213599.3(ANO5):c.1627dup; p.Met543fs; c.1624dup, p.Met542fs (NM_001142649.2); c.1627dupA (NM_213599.2); short protein forms M542fs, M543fs.
Identifiers: ClinVar variation 285942 (VCV000285942.20), dbSNP rs281865480, ClinGen allele CA5923293.

ClinVar aggregate classification (germline): Pathogenic. Review status: criteria provided, multiple submitters, no conflicts (2 of 4 stars). 10 submissions from 9 submitters: Pathogenic (10). Last evaluated 2026-01-12.

Conditions:
Gnathodiaphyseal dysplasia (GDD). Also called: GNATHODIAPHYSEAL SCLEROSIS; OSTEOGENESIS IMPERFECTA WITH UNUSUAL SKELETAL LESIONS. Identifiers: Orphanet 53697, MedGen C1833736, MONDO:0008151, OMIM 166260.
Autosomal recessive limb-girdle muscular dystrophy type 2L (LGMDR12). Also called: Limb-girdle muscular dystrophy, type 2L; Limb-Girdle Muscular Dystrophy R12 Anoctamin-5-Related (LGMD-R12); MUSCULAR DYSTROPHY, LIMB-GIRDLE, AUTOSOMAL RECESSIVE 12. Identifiers: Orphanet 206549, MedGen C1969785, MONDO:0012652, OMIM 611307.
ANO5-related disorder. Also called: ANO5-related disorders; ANO5-related condition. Identifiers: MedGen CN239193.
Miyoshi muscular dystrophy 3 (MMD3). Also called: Miyoshi Muscular Dystrophy 3 (MMD3); Miyoshi myopathy 3. Identifiers: Orphanet 399096, MedGen C2750076, MONDO:0013222, OMIM 613319.

Submissions (10):

Dasa
Classification: Pathogenic. Last evaluated: 2026-01-12. Review status: criteria provided, single submitter. Criteria: DASA Assertion Criteria. Collection method: clinical testing. Allele origin: germline.
Comment: NM_213599.3(ANO5):c.1627dup (p.Met543Asnfs*11) introduces a premature termination codon predicted to result in loss of normal protein function. Loss-of-function is an established mechanism of disease for this gene. This variant has been recurrently observed in affected individuals with related phenotype in a genotype context consistent with recessive disease (PMID: 25891276; PMID: 22742934; PMID: 35563815; PMID: 31791368). The variant is present at low frequency in population datasets. Based on the available data, this variant is classified as pathogenic.

Labcorp Genetics (formerly Invitae), Labcorp
Classification: Pathogenic for Autosomal recessive limb-girdle muscular dystrophy type 2L; Gnathodiaphyseal dysplasia. Last evaluated: 2026-01-05. Review status: criteria provided, single submitter. Criteria: Invitae Variant Classification Sherloc (09022015). Collection method: clinical testing. Allele origin: germline.
Comment: This sequence change creates a premature translational stop signal (p.Met543Asnfs*11) in the ANO5 gene. It is expected to result in an absent or disrupted protein product. Loss-of-function variants in ANO5 are known to be pathogenic (PMID: 21186264, 23606453, 25891276, 30919934). This variant is present in population databases (rs768746440, gnomAD 0.01%). This premature translational stop signal has been observed in individuals with ANO5-related myopathies and/or limb girdle muscular dystrophy 2L (PMID: 22194990, 22402862, 22742934, 23606453, 25891276). ClinVar contains an entry for this variant (Variation ID: 285942). For these reasons, this variant has been classified as Pathogenic.

Variantyx, Inc.
Classification: Pathogenic for Autosomal recessive limb-girdle muscular dystrophy type 2L. Last evaluated: 2025-09-08. Review status: criteria provided, single submitter. Criteria: Variantyx Assertion Criteria 2022. Collection method: clinical testing. Allele origin: germline. Inheritance: Autosomal recessive inheritance. Affected: yes.
Comment: This is a frameshift variant in the ANO5 gene (OMIM: 608662). Pathogenic variants in this gene have been associated with autosomal recessive limb-girdle muscular dystrophy 12. This variant introduces a premature termination codon in exon 16 out of 22 and is expected to result in loss of function, which is a known disease mechanism for ANO5 in this disorder (PVS1) (PMID: 9673985;20096397). This variant has a 0.0067% maximum allele frequency in non-founder control populations. Based on the current evidence, this variant is classified as pathogenic for autosomal recessive limb-girdle muscular dystrophy 12.This variant was reported by previous genetic testing.

Revvity Omics, Revvity
Classification: Pathogenic. Last evaluated: 2023-10-27. Review status: criteria provided, single submitter. Criteria: ACMG Guidelines, 2015. Collection method: clinical testing. Allele origin: germline.

Blueprint Genetics
Classification: Pathogenic for ANO5-related disorders. Last evaluated: 2023-10-06. Review status: criteria provided, single submitter. Criteria: ACMG Guidelines, 2015. Collection method: clinical testing. Allele origin: germline. Affected: yes. Observed: 4 variant alleles.

Broad Center for Mendelian Genomics, Broad Institute of MIT and Harvard
Classification: Pathogenic for Miyoshi muscular dystrophy 3. Last evaluated: 2023-01-25. Review status: criteria provided, single submitter. Criteria: ACMG Guidelines, 2015. Collection method: curation. Allele origin: germline. Inheritance: Autosomal recessive inheritance.
Comment: The p.Met543AsnfsTer11 variant in ANO5 has been previously reported in 8 unrelated individuals with ANO5-related muscle disease (PMID: 34008892, PMID: 30919934, PMID: 25891276, PMID: 23606453, PMID: 22742934, PMID: 22402862, PMID: 22194990) and segregated with disease in 4 affected relatives from 2 families, but has been identified in 0.01% (4/35334) of Latino/Admixed American chromosomes by the Genome Aggregation Database (gnomAD; dbSNP ID: rs1412514693). Although this variant has been seen in the general population in a heterozygous state, its frequency is low enough to be consistent with a recessive carrier frequency. Of these 8 affected individuals, 3 were homozygotes (PMID: 30919934, PMID: 25891276, PMID: 22742934) and 4 were compound heterozygotes who carried pathogenic or likely pathogenic variants in trans (PMID: 22194990, PMID: 23606453, ClinVar Variation ID: 2164; PMID: 34008892, ClinVar Variation ID: 2166), which increases the likelihood that the p.Met543AsnfsTer11 variant is pathogenic. This variant has also been reported in ClinVar (Variation ID: 285942) and has been interpreted as pathogenic by multiple submitters. This variant is predicted to cause a frameshift, which alters the protein‚Äôs amino acid sequence beginning at position 543 and leads to a premature termination codon 11 amino acids downstream. This alteration is then predicted to lead to a truncated or absent protein. Loss of function of the ANO5 gene is an established disease mechanism in autosomal recessive ANO5-related muscle disease. In summary, this variant meets criteria to be classified as pathogenic for autosomal recessive ANO5-related muscle disease. ACMG/AMP Criteria applied: PVS1, PM2_Supporting, PM3_VeryStrong, PP1 (Richards 2015).

MGZ Medical Genetics Center
Classification: Pathogenic for Autosomal recessive limb-girdle muscular dystrophy type 2L. Last evaluated: 2022-07-15. Review status: criteria provided, single submitter. Criteria: ACMG Guidelines, 2015. Collection method: clinical testing. Allele origin: germline. Affected: yes. Observed: 1 variant allele.
Comment: ACMG criteria applied: PVS1, PS4_MOD, PM3, PM2_SUP

Laboratory of Medical Genetics, National & Kapodistrian University of Athens
Classification: Pathogenic for Miyoshi muscular dystrophy 3. Last evaluated: 2021-10-01. Review status: criteria provided, single submitter. Criteria: ACMG Guidelines, 2015. Collection method: clinical testing. Allele origin: paternal. Affected: yes.
Comment: PVS1, PM2, PP3

Eurofins Ntd Llc (ga)
Classification: Pathogenic. Last evaluated: 2016-01-25. Review status: criteria provided, single submitter. Criteria: EGL Classification Definitions. Collection method: clinical testing. Allele origin: germline. Observed: 2 variant alleles, 2 heterozygotes.
Comment: The c.1627dupA ANO5 pathogenic variant has been reported in individuals with LGMD2L1 and is of a type expected to cause disease. 1. AKT 9-7-16

Broad Center for Mendelian Genomics, Broad Institute of MIT and Harvard
Classification: Pathogenic for Autosomal recessive limb-girdle muscular dystrophy type 2L. Review status: criteria provided, single submitter. Criteria: ACMG Guidelines, 2015. Collection method: research. Allele origin: germline. Inheritance: Autosomal recessive inheritance. Affected: yes. Observed: 1 variant allele, 1 homozygote. Study: Broad Institute Center for Mendelian Genomics (CMG).
Comment: The c.1627dupA variant is believed to be pathogenic based on numberous reports by other laboratories in the literature and databases.

Literature cited by the submitters: PubMed 25891276 (cited by Dasa and Labcorp Genetics (formerly Invitae), Labcorp); PubMed 22742934 (cited by Dasa and Labcorp Genetics (formerly Invitae), Labcorp); PubMed 35563815 (cited by Dasa); PubMed 31791368 (cited by Dasa); PubMed 21186264 (cited by Labcorp Genetics (formerly Invitae), Labcorp); PubMed 23606453 (cited by Labcorp Genetics (formerly Invitae), Labcorp); PubMed 30919934 (cited by Labcorp Genetics (formerly Invitae), Labcorp and Variantyx, Inc.); PubMed 22194990 (cited by Labcorp Genetics (formerly Invitae), Labcorp); PubMed 22402862 (cited by Labcorp Genetics (formerly Invitae), Labcorp); PubMed 35239206 (cited by Variantyx, Inc.); PubMed 34008892 (cited by Variantyx, Inc. and Laboratory of Medical Genetics, National & Kapodistrian University of Athens); PubMed 9673985 (cited by Variantyx, Inc.); PubMed 20096397 (cited by Variantyx, Inc.).